The following is an entry in ClinVar:

ClinVar aggregate classification (germline): Uncertain significance (1 of 4 stars; one submission).

Conditions:
Inborn genetic diseases. Identifiers: MedGen C0950123, MeSH D030342.

Submission:

Ambry Genetics
Classification: Uncertain significance for Inborn genetic diseases. Last evaluated: 2025-06-13. Review status: criteria provided, single submitter. Criteria: Ambry Variant Classification Scheme 2023. Collection method: clinical testing. Allele origin: germline.
Comment: The p.G508R variant (also known as c.1522G>A), located in coding exon 9 of the ERCC6L2 gene, results from a G to A substitution at nucleotide position 1522. The glycine at codon 508 is replaced by arginine, an amino acid with dissimilar properties. This amino acid position is conserved. In addition, this alteration is predicted to be deleterious by in silico analysis. Based on the available evidence, the clinical significance of this variant remains unclear.

NM_020207.7(ERCC6L2):c.1522G>A (p.Gly508Arg)

Gene: ERCC6L2 (ERCC excision repair 6 like 2; plus strand). Cytogenetic location: 9q22.32.
Variant type: single nucleotide variant.
Coding change: c.1522G>A on transcript NM_020207.7 (MANE Select); coding-DNA position 1522, G replaced by A.
Protein change: p.Gly508Arg; replaces glycine 508 with arginine.
Molecular consequence: missense variant. On other transcripts: non-coding transcript variant (1).
Genome position (GRCh38, 1-based): chr9:95,923,368, G>A. VCF-style: chr9-95923368-G-A. GRCh37 (hg19) VCF-style: chr9-98685650-G-A.
Other names: c.1522G>A, p.Gly508Arg (NM_001010895.4, NM_001375291.1, NM_001375292.1 and 2 more transcripts); short protein forms G508R.
Identifiers: ClinVar variation 4019409 (VCV004019409.1).